The following is an entry in ClinVar:

NM_002184.4(IL6ST):c.2737G>A (p.Gly913Ser)

Gene: IL6ST (interleukin 6 cytokine family signal transducer; minus strand). Cytogenetic location: 5q11.2.
Variant type: single nucleotide variant.
Coding change: c.2737G>A on transcript NM_002184.4 (MANE Select); coding-DNA position 2737, G replaced by A.
Protein change: p.Gly913Ser; replaces glycine 913 with serine.
Molecular consequence: missense variant. On other transcripts: 3 prime UTR variant (1), non-coding transcript variant (2).
Genome position (GRCh38, 1-based): chr5:55,941,102, C>T on the plus strand (G>A on the coding strand, the complement: IL6ST is on the minus strand). VCF-style: chr5-55941102-C-T. GRCh37 (hg19) VCF-style: chr5-55236930-C-T.
Other names: c.2554G>A, p.Gly852Ser (NM_001190981.2); c.2635G>A, p.Gly879Ser (NM_001364275.2); c.2527G>A, p.Gly843Ser (NM_001364276.2); c.1870G>A, p.Gly624Ser (NM_001364277.2); c.1834G>A, p.Gly612Ser (NM_001364278.2); c.1741G>A, p.Gly581Ser (NM_001364279.2); c.*1664G>A (NM_175767.3); short protein forms G581S, G612S, G624S, G843S, G852S, G879S, G913S.
Identifiers: ClinVar variation 1716341 (VCV001716341.5), dbSNP rs1750875485, ClinGen allele CA359777292.

ClinVar aggregate classification (germline): Uncertain significance (1 of 4 stars; one submission).

Submission:

Labcorp Genetics (formerly Invitae), Labcorp
Classification: Uncertain significance. Last evaluated: 2023-08-04. Review status: criteria provided, single submitter. Criteria: Invitae Variant Classification Sherloc (09022015). Collection method: clinical testing. Allele origin: germline.
Comment: In summary, the available evidence is currently insufficient to determine the role of this variant in disease. Therefore, it has been classified as a Variant of Uncertain Significance. An algorithm developed to predict the effect of missense changes on protein structure and function (PolyPhen-2) suggests that this variant is likely to be disruptive. ClinVar contains an entry for this variant (Variation ID: 1716341). This variant has not been reported in the literature in individuals affected with IL6ST-related conditions. This variant is not present in population databases (gnomAD no frequency). This sequence change replaces glycine, which is neutral and non-polar, with serine, which is neutral and polar, at codon 913 of the IL6ST protein (p.Gly913Ser).